The following is an entry in ClinVar:

ClinVar aggregate classification (germline): Uncertain significance. Review status: criteria provided, multiple submitters, no conflicts (2 of 4 stars). 2 submissions from 2 submitters: Uncertain significance (2). Last evaluated 2022-07-02.

Conditions:
Vitelliform macular dystrophy 5. Identifiers: Orphanet 99000, MedGen C4015343, MONDO:0014509, OMIM 616152.

Allele frequency attached by ClinVar (database versions not stated): ExAC 0.00001; gnomAD exomes 0.00001.
gnomAD v4.1: 1 of 1,614,120 alleles (0.000062%); highest among the groups gnomAD compares: Admixed American, 0.0017%; no homozygotes.

Submissions (2):

Labcorp Genetics (formerly Invitae), Labcorp
Classification: Uncertain significance. Last evaluated: 2022-07-02. Review status: criteria provided, single submitter. Criteria: Invitae Variant Classification Sherloc (09022015). Collection method: clinical testing. Allele origin: germline.
Comment: This variant is present in population databases (rs774965996, gnomAD 0.006%). In summary, the available evidence is currently insufficient to determine the role of this variant in disease. Therefore, it has been classified as a Variant of Uncertain Significance. Algorithms developed to predict the effect of missense changes on protein structure and function (SIFT, PolyPhen-2, Align-GVGD) all suggest that this variant is likely to be tolerated. ClinVar contains an entry for this variant (Variation ID: 1032727). This variant has not been reported in the literature in individuals affected with IMPG2-related conditions. This sequence change replaces serine, which is neutral and polar, with threonine, which is neutral and polar, at codon 879 of the IMPG2 protein (p.Ser879Thr).

Baylor Genetics
Classification: Uncertain significance for Vitelliform macular dystrophy 5. Last evaluated: 2018-03-01. Review status: criteria provided, single submitter. Criteria: ACMG Guidelines, 2015. Collection method: clinical testing. Allele origin: paternal. Affected: yes.
Comment: This variant was determined to be of uncertain significance according to ACMG Guidelines, 2015 [PMID:25741868].

NM_016247.4(IMPG2):c.2636G>C (p.Ser879Thr)

Gene: IMPG2 (interphotoreceptor matrix proteoglycan 2; minus strand). Cytogenetic location: 3q12.3.
Variant type: single nucleotide variant.
Coding change: c.2636G>C on transcript NM_016247.4 (MANE Select); coding-DNA position 2636, G replaced by C.
Protein change: p.Ser879Thr; replaces serine 879 with threonine.
Molecular consequence: missense variant.
Genome position (GRCh38, 1-based): chr3:101,243,695, C>G on the plus strand (G>C on the coding strand, the complement: IMPG2 is on the minus strand). VCF-style: chr3-101243695-C-G. GRCh37 (hg19) VCF-style: chr3-100962539-C-G.
Other names: short protein forms S879T.
Identifiers: ClinVar variation 1032727 (VCV001032727.5), dbSNP rs774965996, ClinGen allele CA2518936.
Genomic context (GRCh38, chr3:101,243,695, plus strand): 5'-AAAGCTCCTGAAGTCTGGGTATAACTCAAGTCATCTCCTCCTTCTGTGGGCCAAGCCACA[C>G]TAACCATCTCTGTGGAGTGAACACTTGTTGACATTTCCACATAACTACCAACCTTGCCAT-3'
Protein context (NP_057331.2, residues 869-889): STSVHSTEMV[Ser879Thr]VAWPTEGGDD